The following is an entry in ClinVar:

NM_002381.5(MATN3):c.671G>A (p.Arg224Gln)

Gene: MATN3 (matrilin 3; minus strand). Cytogenetic location: 2p24.1.
Variant type: single nucleotide variant.
Coding change: c.671G>A on transcript NM_002381.5 (MANE Select); coding-DNA position 671, G replaced by A.
Protein change: p.Arg224Gln; replaces arginine 224 with glutamine.
Molecular consequence: missense variant.
Genome position (GRCh38, 1-based): chr2:20,005,863, C>T on the plus strand (G>A on the coding strand, the complement: MATN3 is on the minus strand). VCF-style: chr2-20005863-C-T. GRCh37 (hg19) VCF-style: chr2-20205624-C-T.
Other names: short protein forms R224Q.
Identifiers: ClinVar variation 333422 (VCV000333422.13), dbSNP rs201491595, ClinGen allele CA1543926.
Genomic context (GRCh38, chr2:20,005,863, plus strand): 5'-TAGAAAACATGCTCCTCTAGGGGCTCACTGGCCATCATCTTGAGGGACGCCATGTCTGCC[C>T]GGTCCACGCCCACAGCATAGAGCTCAATACCAGATGCTTGGGCCCGAGCCGCCACCTCAT-3'
Protein context (NP_002372.1, residues 214-234): GIELYAVGVD[Arg224Gln]ADMASLKMMA

ClinVar aggregate classification (germline): Uncertain significance. Review status: criteria provided, multiple submitters, no conflicts (2 of 4 stars). 4 submissions from 4 submitters: Uncertain significance (4). Last evaluated 2026-06-04.

Conditions:
Connective tissue disorder. Also called: Connective tissue disease. Identifiers: MedGen C0009782, MONDO:0003900.
Multiple epiphyseal dysplasia type 5 (EDM5). Also called: Microepiphyseal dysplasia, bilateral hereditary; MATN3-Related Multiple Epiphyseal Dysplasia. Identifiers: Orphanet 93311, MedGen C1846843, MONDO:0011765, OMIM 607078.

Allele frequency attached by ClinVar (database versions not stated): 1000 Genomes Project 30x 0.00016; gnomAD 0.00018 and 0.00017; 1000 Genomes Project 0.00020; TOPMed 0.00018; ESP Exome Variant Server 0.00016; ExAC 0.00023; gnomAD exomes 0.00023.
gnomAD v4.1: 253 of 1,608,740 alleles (0.016%); highest among the groups gnomAD compares: Middle Eastern, 0.033%; no homozygotes.

Submissions (4):

Women's Health and Genetics/Laboratory Corporation of America, LabCorp
Classification: Uncertain significance. Last evaluated: 2026-06-04. Review status: criteria provided, single submitter. Criteria: LabCorp Variant Classification Summary - May 2015. Collection method: clinical testing. Allele origin: germline.
Comment: Variant summary: MATN3 c.671G>A (p.Arg224Gln) results in a conservative amino acid change in the encoded protein sequence. Algorithms developed to predict the effect of missense changes on protein structure and function are either unavailable or do not agree on the potential impact of this missense change. The variant allele was found at a frequency of 0.00023 in 237120 control chromosomes (gnomAD). This frequency is not significantly higher than estimated for disease-causing variants in MATN3, allowing no conclusion about variant significance. c.671G>A has been observed in a heterozygous individual affected with short stature (Toni_2024). This report does not provide unequivocal conclusions about association of the variant with disease. To our knowledge, no experimental evidence demonstrating an impact on protein function has been reported. The following publication has been ascertained in the context of this evaluation (PMID: 37019085). ClinVar contains an entry for this variant (Variation ID: 333422). Based on the evidence outlined above, the variant was classified as uncertain significance.

Labcorp Genetics (formerly Invitae), Labcorp
Classification: Uncertain significance. Last evaluated: 2025-11-27. Review status: criteria provided, single submitter. Criteria: Invitae Variant Classification Sherloc (09022015). Collection method: clinical testing. Allele origin: germline.
Comment: This sequence change replaces arginine, which is basic and polar, with glutamine, which is neutral and polar, at codon 224 of the MATN3 protein (p.Arg224Gln). This variant is present in population databases (rs201491595, gnomAD 0.06%). This missense change has been observed in individual(s) with short stature (PMID: 37019085). ClinVar contains an entry for this variant (Variation ID: 333422). Invitae Evidence Modeling of protein sequence and biophysical properties (such as structural, functional, and spatial information, amino acid conservation, physicochemical variation, residue mobility, and thermodynamic stability) indicates that this missense variant is not expected to disrupt MATN3 protein function with a negative predictive value of 80%. In summary, the available evidence is currently insufficient to determine the role of this variant in disease. Therefore, it has been classified as a Variant of Uncertain Significance.

Genome Diagnostics Laboratory, The Hospital for Sick Children
Classification: Uncertain significance for Connective tissue disorder. Last evaluated: 2019-05-01. Review status: criteria provided, single submitter. Criteria: ACMG Guidelines, 2015. Collection method: clinical testing. Allele origin: germline.

Illumina Laboratory Services, Illumina
Classification: Uncertain significance for Multiple epiphyseal dysplasia type 5. Last evaluated: 2018-01-13. Review status: criteria provided, single submitter. Criteria: ICSL Variant Classification Criteria 13 December 2019. Collection method: clinical testing. Allele origin: germline.

Literature cited by the submitters: PubMed 37019085 (cited by Women's Health and Genetics/Laboratory Corporation of America, LabCorp and Labcorp Genetics (formerly Invitae), Labcorp).